The following is an entry in ClinVar:

ClinVar aggregate classification (germline): Uncertain significance (1 of 4 stars; one submission).

Conditions:
Charcot-Marie-Tooth disease type 4. Also called: Charcot-Marie-Tooth disease, type IV; Charcot-Marie-Tooth, Type 4. Identifiers: Orphanet 64749, MedGen C4082197, MONDO:0018995.

Submission:

Labcorp Genetics (formerly Invitae), Labcorp
Classification: Uncertain significance for Charcot-Marie-Tooth disease type 4. Last evaluated: 2022-06-30. Review status: criteria provided, single submitter. Criteria: Invitae Variant Classification Sherloc (09022015). Collection method: clinical testing. Allele origin: germline.
Comment: In summary, the available evidence is currently insufficient to determine the role of this variant in disease. Therefore, it has been classified as a Variant of Uncertain Significance. Algorithms developed to predict the effect of missense changes on protein structure and function are either unavailable or do not agree on the potential impact of this missense change (SIFT: "Deleterious"; PolyPhen-2: "Possibly Damaging"; Align-GVGD: "Class C0"). This variant has not been reported in the literature in individuals affected with SBF2-related conditions. This variant is not present in population databases (gnomAD no frequency). This sequence change replaces leucine, which is neutral and non-polar, with phenylalanine, which is neutral and non-polar, at codon 1459 of the SBF2 protein (p.Leu1459Phe).

NM_030962.4(SBF2):c.4377G>C (p.Leu1459Phe)

Genes: SBF2 (SET binding factor 2; minus strand), SBF2-AS1 (SBF2 antisense RNA 1; plus strand). Cytogenetic location: 11p15.4.
Variant type: single nucleotide variant.
Coding change: c.4377G>C on transcript NM_030962.4 (MANE Select); coding-DNA position 4377, G replaced by C.
Protein change: p.Leu1459Phe; replaces leucine 1459 with phenylalanine.
Molecular consequence: missense variant. On other transcripts: non-coding transcript variant (1).
Genome position (GRCh38, 1-based): chr11:9,808,066, C>G on the plus strand (G>C on the coding strand, the complement: SBF2 is on the minus strand). VCF-style: chr11-9808066-C-G. GRCh37 (hg19) VCF-style: chr11-9829613-C-G.
Other names: c.4473G>C, p.Leu1491Phe (NM_001386339.1); c.4248G>C, p.Leu1416Phe (NM_001386342.1); short protein forms L1416F, L1459F, L1491F.
Identifiers: ClinVar variation 2012403 (VCV002012403.4), dbSNP rs2494599172, ClinGen allele CA379639669.